The following is an entry in ClinVar:

ClinVar aggregate classification (germline): Uncertain significance (1 of 4 stars; one submission).

Conditions:
Primary familial hypertrophic cardiomyopathy (HCM). Identifiers: Orphanet 99739, MedGen C0949658, MeSH D024741, MONDO:0024573. Inheritance: Various modes of inheritance.

Submission:

Clinical Genetics Laboratory, Skane University Hospital Lund
Classification: Uncertain significance for Primary familial hypertrophic cardiomyopathy. Last evaluated: 2025-03-06. Review status: criteria provided, single submitter. Criteria: ACMG Guidelines, 2015. Collection method: clinical testing. Allele origin: germline. Affected: yes.
Comment: PM1, PM2, PP3

NM_000257.4(MYH7):c.676G>T (p.Ala226Ser)

Gene: MYH7 (myosin heavy chain 7; minus strand). Cytogenetic location: 14q11.2.
Variant type: single nucleotide variant.
Coding change: c.676G>T on transcript NM_000257.4 (MANE Select); coding-DNA position 676, G replaced by T.
Protein change: p.Ala226Ser; replaces alanine 226 with serine.
Molecular consequence: missense variant.
Genome position (GRCh38, 1-based): chr14:23,431,641, C>A on the plus strand (G>T on the coding strand, the complement: MYH7 is on the minus strand). VCF-style: chr14-23431641-C-A. GRCh37 (hg19) VCF-style: chr14-23900850-C-A.
Other names: c.676G>T, p.Ala226Ser (NM_001407004.1); short protein forms A226S.
Identifiers: ClinVar variation 3767141 (VCV003767141.1).